The following is an entry in ClinVar:

ClinVar aggregate classification (germline): Pathogenic (1 of 4 stars; one submission).

Submission:

GeneDx
Classification: Pathogenic. Last evaluated: 2015-06-16. Review status: criteria provided, single submitter. Criteria: GeneDx Variant Classification (06012015). Collection method: clinical testing. Allele origin: germline. Affected: yes.
Comment: The c.1513delC deletion in the IQCB1 gene has not been reported previously as a pathogenic variantnor as a benign polymorphism, to our knowledge. This variant is predicted to cause loss of normalprotein function through protein truncation. The c.1513delC variant was not observed inapproximately 6500 individuals of European and African American ancestry in the NHLBI ExomeSequencing Project, indicating it is not a common benign variant in these populations. We interpretc.1513delC as a pathogenic variant.

NM_001023570.4(IQCB1):c.1513del (p.Gln505fs)

Gene: IQCB1 (IQ motif containing B1; minus strand). Cytogenetic location: 3q13.33.
Variant type: Deletion.
Coding change: c.1513del on transcript NM_001023570.4 (MANE Select); coding-DNA position 1513, one base deleted (C; older notation c.1513delC).
Protein change: p.Gln505fs; shifts the reading frame from glutamine 505.
Molecular consequence: frameshift variant. On other transcripts: non-coding transcript variant (1).
Genome position (GRCh38, 1-based): chr3:121,772,611, G deleted on the plus strand (C on the coding strand, the reverse complement: IQCB1 is on the minus strand). VCF-style (leftmost placement, unchanged base first): chr3-121772610-TG-T. GRCh37 (hg19) VCF-style: chr3-121491457-TG-T.
Other names: c.1114del, p.Gln372fs (NM_001023571.4); c.1513del, p.Gln505fs (NM_001319107.2); short protein forms Q372fs, Q505fs.
Identifiers: ClinVar variation 419171 (VCV000419171.2), dbSNP rs1064793692, ClinGen allele CA16617808.